The following is an entry in ClinVar:

ClinVar aggregate classification (germline): Uncertain significance (1 of 4 stars; one submission).

Submission:

Ambry Genetics
Classification: Uncertain significance. Last evaluated: 2026-02-28. Review status: criteria provided, single submitter. Criteria: Ambry Variant Classification Scheme 2023. Collection method: clinical testing. Allele origin: germline.
Comment: The p.M94K variant (also known as c.281T>A), located in coding exon 2 of the ATRIP gene, results from a T to A substitution at nucleotide position 281. The methionine at codon 94 is replaced by lysine, an amino acid with similar properties. This amino acid position is conserved. In addition, this alteration is predicted to be tolerated by in silico analysis. Based on the available evidence, the clinical significance of this variant remains unclear.

NM_130384.3(ATRIP):c.281T>A (p.Met94Lys)

Genes: ATRIP (ATR interacting protein; plus strand), ATRIP-TREX1 (ATRIP-TREX1 readthrough; plus strand). Cytogenetic location: 3p21.31.
Variant type: single nucleotide variant.
Coding change: c.281T>A on transcript NM_130384.3 (MANE Select); coding-DNA position 281, T replaced by A.
Protein change: p.Met94Lys; replaces methionine 94 with lysine.
Molecular consequence: missense variant. On other transcripts: non-coding transcript variant (1), 5 prime UTR variant (1), initiator codon variant (1).
Genome position (GRCh38, 1-based): chr3:48,450,070, T>A. VCF-style: chr3-48450070-T-A. GRCh37 (hg19) VCF-style: chr3-48491476-T-A.
Other names: c.-184T>A (NM_001271022.2); c.2T>A, p.Met1Lys (NM_001271023.2); c.281T>A, p.Met94Lys (NM_032166.4); short protein forms M1K, M94K.
Identifiers: ClinVar variation 4826269 (VCV004826269.1).
Genomic context (GRCh38, chr3:48,450,070, plus strand): 5'-AAATGTATATGGAACTATTTTTTACAGGTGATCATAAGGTCCACAGATTATTAGATGGCA[T>A]GTCAAAAAATCCTTCAGGGAAAAACAGAGAAACTGTTCCAATTAAAGATAATTTCGAATT-3'
Protein context (NP_569055.1, residues 84-104): DHKVHRLLDG[Met94Lys]SKNPSGKNRE